The following is an entry in ClinVar:

NM_006767.4(LZTR1):c.1281C>G (p.Cys427Trp)

Gene: LZTR1 (leucine zipper like post translational regulator 1; plus strand). Cytogenetic location: 22q11.21.
Variant type: single nucleotide variant.
Coding change: c.1281C>G on transcript NM_006767.4 (MANE Select); coding-DNA position 1281, C replaced by G.
Protein change: p.Cys427Trp; replaces cysteine 427 with tryptophan.
Molecular consequence: missense variant.
Genome position (GRCh38, 1-based): chr22:20,993,682, C>G. VCF-style: chr22-20993682-C-G. GRCh37 (hg19) VCF-style: chr22-21347971-C-G.
Other names: short protein forms C427W.
Identifiers: ClinVar variation 1305576 (VCV001305576.3), dbSNP rs1038727557, ClinGen allele CA410774360.
Genomic context (GRCh38, chr22:20,993,682, plus strand): 5'-GCTGTCTGCAACATCTAGTCTCACTGGGCCCCTCTTGCAGTTCTCCTGTTACCCTAAATG[C>G]ACGCTGCACGAGGACTACGGGCGGCTGTGGGAGAGCCGCCAGTTCTGCGACGTGGAGTTC-3'
Protein context (NP_006758.2, residues 417-437): YRFQFSCYPK[Cys427Trp]TLHEDYGRLW

ClinVar aggregate classification (germline): Uncertain significance (1 of 4 stars; one submission).

Submission:

GeneDx
Classification: Uncertain significance. Last evaluated: 2025-06-09. Review status: criteria provided, single submitter. Criteria: GeneDx Variant Classification Process June 2021. Collection method: clinical testing. Allele origin: germline. Affected: yes.
Comment: Not observed at significant frequency in large population cohorts (gnomAD); In silico analysis supports that this missense variant has a deleterious effect on protein structure/function; Has not been previously published as pathogenic or benign to our knowledge